The following is an entry in ClinVar:

NM_001271.4(CHD2):c.4871A>G (p.Tyr1624Cys)

Gene: CHD2 (chromodomain helicase DNA binding protein 2; plus strand). Cytogenetic location: 15q26.1.
Variant type: single nucleotide variant.
Coding change: c.4871A>G on transcript NM_001271.4 (MANE Select); coding-DNA position 4871, A replaced by G.
Protein change: p.Tyr1624Cys; replaces tyrosine 1624 with cysteine.
Molecular consequence: missense variant.
Genome position (GRCh38, 1-based): chr15:93,014,874, A>G. VCF-style: chr15-93014874-A-G. GRCh37 (hg19) VCF-style: chr15-93558104-A-G.
Other names: short protein forms Y1624C.
Identifiers: ClinVar variation 2645727 (VCV002645727.25), dbSNP rs2054438017, ClinGen allele CA393906876.

ClinVar aggregate classification (germline): Uncertain significance. Review status: criteria provided, multiple submitters, no conflicts (2 of 4 stars). 2 submissions from 2 submitters: Uncertain significance (2). Last evaluated 2025-05-01.

Conditions:
Developmental and epileptic encephalopathy 94 (DEE94). Also called: Epileptic encephalopathy, childhood-onset; CHD2-Related Neurodevelopmental Disorders. Identifiers: Orphanet 1942, Orphanet 2382, MedGen C3809278, MONDO:0014150, OMIM 615369.

gnomAD v4.1: 1 of 1,614,192 alleles (0.000062%); no homozygotes.

Submissions (2):

Labcorp Genetics (formerly Invitae), Labcorp
Classification: Uncertain significance for Developmental and epileptic encephalopathy 94. Last evaluated: 2025-05-01. Review status: criteria provided, single submitter. Criteria: Invitae Variant Classification Sherloc (09022015). Collection method: clinical testing. Allele origin: germline.
Comment: This sequence change replaces tyrosine, which is neutral and polar, with cysteine, which is neutral and slightly polar, at codon 1624 of the CHD2 protein (p.Tyr1624Cys). This variant is not present in population databases (gnomAD no frequency). This variant has not been reported in the literature in individuals affected with CHD2-related conditions. ClinVar contains an entry for this variant (Variation ID: 2645727). Invitae Evidence Modeling of protein sequence and biophysical properties (such as structural, functional, and spatial information, amino acid conservation, physicochemical variation, residue mobility, and thermodynamic stability) indicates that this missense variant is not expected to disrupt CHD2 protein function with a negative predictive value of 95%. In summary, the available evidence is currently insufficient to determine the role of this variant in disease. Therefore, it has been classified as a Variant of Uncertain Significance.

CeGaT Center for Human Genetics Tuebingen
Classification: Uncertain significance. Last evaluated: 2023-05-01. Review status: criteria provided, single submitter. Criteria: CeGaT Center For Human Genetics Tuebingen Variant Classification Criteria Version 2. Collection method: clinical testing. Allele origin: germline. Affected: yes. Observed: 1 variant allele.
Comment: CHD2: PM2